The following is an entry in ClinVar:

NM_020638.3(FGF23):c.482G>A (p.Arg161Lys)

Gene: FGF23 (fibroblast growth factor 23; minus strand). Cytogenetic location: 12p13.32.
Variant type: single nucleotide variant.
Coding change: c.482G>A on transcript NM_020638.3 (MANE Select); coding-DNA position 482, G replaced by A.
Protein change: p.Arg161Lys; replaces arginine 161 with lysine.
Molecular consequence: missense variant.
Genome position (GRCh38, 1-based): chr12:4,370,617, C>T on the plus strand (G>A on the coding strand, the complement: FGF23 is on the minus strand). VCF-style: chr12-4370617-C-T. GRCh37 (hg19) VCF-style: chr12-4479783-C-T.
Other names: short protein forms R161K.
Identifiers: ClinVar variation 4710061 (VCV004710061.1).

ClinVar aggregate classification (germline): Uncertain significance (1 of 4 stars; one submission).

gnomAD v4.1: 2 of 1,614,132 alleles (0.00012%); highest among the groups gnomAD compares: African/African-American, 0.0013%; no homozygotes.

Submission:

Labcorp Genetics (formerly Invitae), Labcorp
Classification: Uncertain significance. Last evaluated: 2025-03-01. Review status: criteria provided, single submitter. Criteria: Invitae Variant Classification Sherloc (09022015). Collection method: clinical testing. Allele origin: germline.
Comment: This sequence change replaces arginine, which is basic and polar, with lysine, which is basic and polar, at codon 161 of the FGF23 protein (p.Arg161Lys). This variant is present in population databases (rs747194763, gnomAD 0.007%). This variant has not been reported in the literature in individuals affected with FGF23-related conditions. An algorithm developed to predict the effect of missense changes on protein structure and function outputs the following: PolyPhen-2: "Benign". The lysine amino acid residue is found in multiple mammalian species, which suggests that this missense change does not adversely affect protein function. In summary, the available evidence is currently insufficient to determine the role of this variant in disease. Therefore, it has been classified as a Variant of Uncertain Significance.